The following is an entry in ClinVar:

ClinVar aggregate classification (germline): Uncertain significance (1 of 4 stars; one submission).

Submission:

Ambry Genetics
Classification: Uncertain significance. Last evaluated: 2025-10-14. Review status: criteria provided, single submitter. Criteria: Ambry Variant Classification Scheme 2023. Collection method: clinical testing. Allele origin: germline.
Comment: The p.A165P variant (also known as c.493G>C), located in coding exon 3 of the GFI1 gene, results from a G to C substitution at nucleotide position 493. The alanine at codon 165 is replaced by proline, an amino acid with highly similar properties. This amino acid position is conserved. In addition, this alteration is predicted to be tolerated by in silico analysis. Based on the available evidence, the clinical significance of this variant remains unclear.

NM_005263.5(GFI1):c.493G>C (p.Ala165Pro)

Gene: GFI1 (growth factor independent 1 transcriptional repressor; minus strand). Cytogenetic location: 1p22.1.
Variant type: single nucleotide variant.
Coding change: c.493G>C on transcript NM_005263.5 (MANE Select); coding-DNA position 493, G replaced by C.
Protein change: p.Ala165Pro; replaces alanine 165 with proline.
Molecular consequence: missense variant.
Genome position (GRCh38, 1-based): chr1:92,480,894, C>G on the plus strand (G>C on the coding strand, the complement: GFI1 is on the minus strand). VCF-style: chr1-92480894-C-G. GRCh37 (hg19) VCF-style: chr1-92946451-C-G.
Other names: c.493G>C, p.Ala165Pro (NM_001127215.3, NM_001127216.3); short protein forms A165P.
Identifiers: ClinVar variation 4671572 (VCV004671572.1).